The following is an entry in ClinVar:

ClinVar aggregate classification (germline): Conflicting classifications of pathogenicity. Review status: criteria provided, conflicting classifications (1 of 4 stars). 6 submissions from 6 submitters: Uncertain significance (5); Likely benign (1). Last evaluated 2026-04-10.

Conditions:
Hereditary cancer-predisposing syndrome. Also called: Neoplastic Syndromes, Hereditary; Tumor predisposition; Hereditary neoplastic syndrome; Hereditary Cancer Syndrome. Identifiers: Orphanet 140162, MedGen C0027672, MeSH D009386, MONDO:0015356.
MSH3-related disorder. Also called: MSH3-related condition.

Allele frequency attached by ClinVar (database versions not stated): gnomAD exomes 0.00007 and 0.00014; gnomAD 0.00010 and 0.00014; TOPMed 0.00012; 1000 Genomes Project 30x 0.00016; ExAC 0.00016; 1000 Genomes Project 0.00020; ESP Exome Variant Server 0.00023.
gnomAD v4.1: 123 of 1,612,850 alleles (0.0076%); highest among the groups gnomAD compares: South Asian, 0.093%; 4 homozygotes.

Submissions (6):

PreventionGenetics, part of Exact Sciences
Classification: Uncertain significance for MSH3-related condition. Last evaluated: 2026-04-10. Review status: criteria provided, single submitter. Criteria: ACMG Guidelines, 2015. Collection method: clinical testing. Allele origin: germline.
Comment: The MSH3 c.2180G>A variant is predicted to result in the amino acid substitution p.Arg727Gln. This variant has been reported in the literature in an individual with colorectal adenoma (Patel et al. 2021. PubMed ID: 33436027). This variant is reported in 0.078% of alleles in individuals of South Asian descent in gnomAD, which may be too common to be a primary cause of disease. This variant has conflicting interpretations regarding its pathogenicity in ClinVar, ranging from likely benign to uncertain (Variation ID: 647716). Although we suspect that this variant may be benign, at this time, the clinical significance of this variant is uncertain due to the absence of conclusive functional and genetic evidence.

Labcorp Genetics (formerly Invitae), Labcorp
Classification: Uncertain significance. Last evaluated: 2026-01-20. Review status: criteria provided, single submitter. Criteria: Invitae Variant Classification Sherloc (09022015). Collection method: clinical testing. Allele origin: germline.
Comment: This sequence change replaces arginine, which is basic and polar, with glutamine, which is neutral and polar, at codon 727 of the MSH3 protein (p.Arg727Gln). The frequency data for this variant in the population databases is considered unreliable, as metrics indicate poor data quality at this position in the gnomAD database. This missense change has been observed in individual(s) with colorectal adenoma (PMID: 33436027). ClinVar contains an entry for this variant (Variation ID: 647716). An algorithm developed to predict the effect of missense changes on protein structure and function outputs the following: PolyPhen-2: "Benign". The glutamine amino acid residue is found in multiple mammalian species, which suggests that this missense change does not adversely affect protein function. In summary, the available evidence is currently insufficient to determine the role of this variant in disease. Therefore, it has been classified as a Variant of Uncertain Significance.

GeneDx
Classification: Uncertain significance. Last evaluated: 2025-04-16. Review status: criteria provided, single submitter. Criteria: GeneDx Variant Classification Process June 2021. Collection method: clinical testing. Allele origin: germline.
Comment: In silico analysis indicates that this missense variant does not alter protein structure/function; This variant is associated with the following publications: (PMID: 33436027)

Center for Genomic Medicine, Rigshospitalet, Copenhagen University Hospital
Classification: Uncertain significance. Last evaluated: 2025-03-04. Review status: criteria provided, single submitter. Criteria: ACMG Guidelines, 2015. Collection method: clinical testing. Allele origin: germline.

Quest Diagnostics Nichols Institute San Juan Capistrano
Classification: Uncertain significance. Last evaluated: 2024-03-19. Review status: criteria provided, single submitter. Criteria: Quest Diagnostics criteria. Collection method: clinical testing. Allele origin: unknown.
Comment: The MSH3 c.2180G>A (p.Arg727Gln) variant has been reported in the published literature in an individual with history of colorectal polyps (PMID: 33436027 (2021)). The frequency of this variant in the general population, 0.00078 (24/30582 chromosomes in South Asian subpopulation (Genome Aggregation Database)), is higher than would generally be expected for pathogenic variants in this gene. Analysis of this variant using bioinformatics tools for the prediction of the effect of amino acid changes on protein structure and function yielded predictions that this variant is benign. Based on the available information, we are unable to determine the clinical significance of this variant.

Ambry Genetics
Classification: Likely benign for Hereditary cancer-predisposing syndrome. Last evaluated: 2020-05-29. Review status: criteria provided, single submitter. Criteria: Ambry Variant Classification Scheme 2023. Collection method: clinical testing. Allele origin: germline.

Literature cited by the submitters: PubMed 33436027 (cited by Labcorp Genetics (formerly Invitae), Labcorp and Quest Diagnostics Nichols Institute San Juan Capistrano).

NM_002439.5(MSH3):c.2180G>A (p.Arg727Gln)

Gene: MSH3 (mutS homolog 3; plus strand). Cytogenetic location: 5q14.1.
Variant type: single nucleotide variant.
Coding change: c.2180G>A on transcript NM_002439.5 (MANE Select); coding-DNA position 2180, G replaced by A.
Protein change: p.Arg727Gln; replaces arginine 727 with glutamine.
Molecular consequence: missense variant.
Genome position (GRCh38, 1-based): chr5:80,768,930, G>A. VCF-style: chr5-80768930-G-A. GRCh37 (hg19) VCF-style: chr5-80064749-G-A.
Other names: short protein forms R727Q.
Identifiers: ClinVar variation 647716 (VCV000647716.18), dbSNP rs148896355, ClinGen allele CA3328157.
Genomic context (GRCh38, chr5:80,768,930, plus strand): 5'-CTGACTTCCCTTTAATAAAAAAGAGGAAGGATGAAATTCAAGGTGTTATTGACGAGATCC[G>A]AATGCATTTGCAAGAAATACGAAAAATACTAAAAAATCCTTCTGCACAATATGTGACAGT-3'
Protein context (NP_002430.3, residues 717-737): DEIQGVIDEI[Arg727Gln]MHLQEIRKIL